The following is an entry in ClinVar:

ClinVar aggregate classification (germline): Uncertain significance (1 of 4 stars; one submission).

Submission:

Labcorp Genetics (formerly Invitae), Labcorp
Classification: Uncertain significance. Last evaluated: 2025-02-03. Review status: criteria provided, single submitter. Criteria: Invitae Variant Classification Sherloc (09022015). Collection method: clinical testing. Allele origin: germline.
Comment: This sequence change replaces serine, which is neutral and polar, with glycine, which is neutral and non-polar, at codon 285 of the ICOSLG protein (p.Ser285Gly). This variant is not present in population databases (gnomAD no frequency). This variant has not been reported in the literature in individuals affected with ICOSLG-related conditions. ClinVar contains an entry for this variant (Variation ID: 2707887). An algorithm developed to predict the effect of missense changes on protein structure and function outputs the following: PolyPhen-2: "Benign". The glycine amino acid residue is found in multiple mammalian species, which suggests that this missense change does not adversely affect protein function. In summary, the available evidence is currently insufficient to determine the role of this variant in disease. Therefore, it has been classified as a Variant of Uncertain Significance.

NM_015259.6(ICOSLG):c.853A>G (p.Ser285Gly)

Gene: ICOSLG (inducible T cell costimulator ligand; minus strand). Cytogenetic location: 21q22.3.
Variant type: single nucleotide variant.
Coding change: c.853A>G on transcript NM_015259.6 (MANE Select); coding-DNA position 853, A replaced by G.
Protein change: p.Ser285Gly; replaces serine 285 with glycine.
Molecular consequence: missense variant.
Genome position (GRCh38, 1-based): chr21:44,231,289, T>C on the plus strand (A>G on the coding strand, the complement: ICOSLG is on the minus strand). VCF-style: chr21-44231289-T-C. GRCh37 (hg19) VCF-style: chr21-45651172-T-C.
Other names: c.853A>G, p.Ser285Gly (NM_001283050.2, NM_001395918.1); c.502A>G, p.Ser168Gly (NM_001283051.2); c.598A>G, p.Ser200Gly (NM_001283052.2); c.772A>G, p.Ser258Gly (NM_001365759.2); short protein forms S258G, S168G, S200G, S285G.
Identifiers: ClinVar variation 2707887 (VCV002707887.3), dbSNP rs757002987, ClinGen allele CA410613161.